The following is an entry in ClinVar:

NM_182931.3(KMT2E):c.3458A>G (p.Gln1153Arg)

Gene: KMT2E (lysine methyltransferase 2E (inactive); plus strand). Cytogenetic location: 7q22.3.
Variant type: single nucleotide variant.
Coding change: c.3458A>G on transcript NM_182931.3 (MANE Select); coding-DNA position 3458, A replaced by G.
Protein change: p.Gln1153Arg; replaces glutamine 1153 with arginine.
Molecular consequence: missense variant.
Genome position (GRCh38, 1-based): chr7:105,107,915, A>G. VCF-style: chr7-105107915-A-G. GRCh37 (hg19) VCF-style: chr7-104748362-A-G.
Other names: c.3458A>G, p.Gln1153Arg (NM_001410908.1, NM_018682.4); short protein forms Q1153R.
Identifiers: ClinVar variation 3682919 (VCV003682919.2).
Genomic context (GRCh38, chr7:105,107,915, plus strand): 5'-TCGGACGGACTGTTAATGACAATTTGATCGACGGGAATTGCACACCCCAGAATCCACCAC[A>G]AAAGAAAAAGGTTACAAATTTAACAATTTATAGTCCTTTTAATAGTTTTTTTTTTTTTTT-3'
Protein context (NP_891847.1, residues 1143-1163): DGNCTPQNPP[Gln1153Arg]KKKVSLLEYR

ClinVar aggregate classification (germline): Uncertain significance (1 of 4 stars; one submission).

Submission:

Labcorp Genetics (formerly Invitae), Labcorp
Classification: Uncertain significance. Last evaluated: 2024-02-10. Review status: criteria provided, single submitter. Criteria: Invitae Variant Classification Sherloc (09022015). Collection method: clinical testing. Allele origin: germline.
Comment: This sequence change replaces glutamine, which is neutral and polar, with arginine, which is basic and polar, at codon 1153 of the KMT2E protein (p.Gln1153Arg). This variant is not present in population databases (gnomAD no frequency). This variant has not been reported in the literature in individuals affected with KMT2E-related conditions. Advanced modeling of protein sequence and biophysical properties (such as structural, functional, and spatial information, amino acid conservation, physicochemical variation, residue mobility, and thermodynamic stability) performed at Invitae indicates that this missense variant is expected to disrupt KMT2E protein function with a positive predictive value of 80%. In summary, the available evidence is currently insufficient to determine the role of this variant in disease. Therefore, it has been classified as a Variant of Uncertain Significance.